The following is an entry in ClinVar:

NM_198253.3(TERT):c.1124C>T (p.Thr375Ile)

Gene: TERT (telomerase reverse transcriptase; minus strand). Cytogenetic location: 5p15.33.
Variant type: single nucleotide variant.
Coding change: c.1124C>T on transcript NM_198253.3 (MANE Select); coding-DNA position 1124, C replaced by T.
Protein change: p.Thr375Ile; replaces threonine 375 with isoleucine.
Molecular consequence: missense variant. On other transcripts: non-coding transcript variant (2).
Genome position (GRCh38, 1-based): chr5:1,293,762, G>A on the plus strand (C>T on the coding strand, the complement: TERT is on the minus strand). VCF-style: chr5-1293762-G-A. GRCh37 (hg19) VCF-style: chr5-1293877-G-A.
Other names: c.1124C>T, p.Thr375Ile (NM_001193376.3, NM_003219.1); short protein forms T375I.
Identifiers: ClinVar variation 1720125 (VCV001720125.6), dbSNP rs1751160849, ClinGen allele CA359055419.
Genomic context (GRCh38, chr5:1,293,762, plus strand): 5'-TCCAGAAACAGGGGCCGCATTTGCCAGTAGCGCTGGGGCAGGCGGGGCAACCTGCGGGGA[G>A]TCCCTGGCATCCAGGGCCTGGAACCCAGAAAGATGGTCTCCACGAGCCTCCGAGCGCCAG-3'
Protein context (NP_937983.2, residues 365-385): FLGSRPWMPG[Thr375Ile]PRRLPRLPQR

ClinVar aggregate classification (germline): Uncertain significance (1 of 4 stars; one submission).

Conditions:
Dyskeratosis congenita, autosomal dominant 2. Identifiers: MedGen C3151443, MONDO:0013521, OMIM 613989.
Idiopathic Pulmonary Fibrosis. Also called: Idiopathic fibrosing alveolitis, chronic form; idiopathic fibrosing alveolitis. Identifiers: Orphanet 2032, MedGen C1800706, MeSH D054990, MONDO:0800504.

Allele frequency attached by ClinVar (database versions not stated): TOPMed below 0.00001.
gnomAD v4.1: 1 of 1,557,086 alleles (0.000064%); no homozygotes.

Submission:

Labcorp Genetics (formerly Invitae), Labcorp
Classification: Uncertain significance for Dyskeratosis congenita, autosomal dominant 2; Idiopathic Pulmonary Fibrosis. Last evaluated: 2022-09-23. Review status: criteria provided, single submitter. Criteria: Invitae Variant Classification Sherloc (09022015). Collection method: clinical testing. Allele origin: germline.
Comment: This sequence change replaces threonine, which is neutral and polar, with isoleucine, which is neutral and non-polar, at codon 375 of the TERT protein (p.Thr375Ile). In summary, the available evidence is currently insufficient to determine the role of this variant in disease. Therefore, it has been classified as a Variant of Uncertain Significance. Algorithms developed to predict the effect of missense changes on protein structure and function (SIFT, PolyPhen-2, Align-GVGD) all suggest that this variant is likely to be tolerated. This variant has not been reported in the literature in individuals affected with TERT-related conditions. This variant is not present in population databases (gnomAD no frequency).